The following is an entry in ClinVar:

ClinVar aggregate classification (germline): Likely benign. Review status: criteria provided, multiple submitters, no conflicts (2 of 4 stars). 3 submissions from 3 submitters: Likely benign (2). 1 of the submissions does not count toward it. Last evaluated 2025-11-26.

Conditions:
Amyotrophic lateral sclerosis type 1 (ALS1). Also called: AMYOTROPHIC LATERAL SCLEROSIS 1, FAMILIAL. Identifiers: Orphanet 803, MedGen C1862939, MONDO:0007103, OMIM 105400.
Neuronopathy, distal hereditary motor, type 7B. Also called: Distal Hereditary Motor Neuronopathy Type 7B (dHMN7B); HMN VIIB; LOWER MOTOR NEURON DISEASE, DYNACTIN TYPE; NEURONOPATHY, DISTAL HEREDITARY MOTOR, AUTOSOMAL DOMINANT 14; NEURONOPATHY, DISTAL HEREDITARY MOTOR, HARDING TYPE VIIB; NEUROPATHY, DISTAL HEREDITARY MOTOR, HARDING TYPE VIIB. Identifiers: Orphanet 139589, MedGen C1843315, MONDO:0011879, OMIM 607641.
Perry syndrome. Also called: PARKINSONISM WITH ALVEOLAR HYPOVENTILATION AND MENTAL DEPRESSION. Identifiers: Orphanet 178509, MedGen C1868594, MONDO:0008201, OMIM 168605.
DCTN1-related disorder. Also called: DCTN1-related condition.

Allele frequency attached by ClinVar (database versions not stated): gnomAD 0.00001; gnomAD exomes 0.00002; TOPMed 0.00002; ExAC 0.00003.
gnomAD v4.1: 39 of 1,614,056 alleles (0.0024%); highest among the groups gnomAD compares: Non-Finnish European, 0.0031%; no homozygotes.

Submissions (3):

Labcorp Genetics (formerly Invitae), Labcorp
Classification: Likely benign for Amyotrophic lateral sclerosis type 1; Neuronopathy, distal hereditary motor, type 7B; Perry syndrome. Last evaluated: 2025-11-26. Review status: criteria provided, single submitter. Criteria: Invitae Variant Classification Sherloc (09022015). Collection method: clinical testing. Allele origin: germline.

CeGaT Center for Human Genetics Tuebingen
Classification: Likely benign. Last evaluated: 2023-05-01. Review status: criteria provided, single submitter. Criteria: CeGaT Center For Human Genetics Tuebingen Variant Classification Criteria Version 2. Collection method: clinical testing. Allele origin: germline. Affected: yes. Observed: 2 variant alleles.
Comment: DCTN1: BP4, BP7

PreventionGenetics, part of Exact Sciences
Classification: Likely benign for DCTN1-related condition. Last evaluated: 2023-01-11. Review status: no assertion criteria provided. Collection method: clinical testing. Allele origin: germline. Not counted in ClinVar's aggregate classification.
Comment: This variant is classified as likely benign based on ACMG/AMP sequence variant interpretation guidelines (Richards et al. 2015 PMID: 25741868, with internal and published modifications).

NM_004082.5(DCTN1):c.3123C>G (p.Ser1041=)

Gene: DCTN1 (dynactin subunit 1; minus strand). Cytogenetic location: 2p13.1.
Variant type: single nucleotide variant.
Coding change: c.3123C>G on transcript NM_004082.5 (MANE Select); coding-DNA position 3123, C replaced by G.
Protein change: p.Ser1041=; no amino-acid change (serine 1041 retained).
Molecular consequence: synonymous variant. On other transcripts: non-coding transcript variant (1).
Genome position (GRCh38, 1-based): chr2:74,365,148, G>C on the plus strand (C>G on the coding strand, the complement: DCTN1 is on the minus strand). VCF-style: chr2-74365148-G-C. GRCh37 (hg19) VCF-style: chr2-74592275-G-C.
Other names: c.3123C>G (NM_004082.4); c.3063C>G, p.Ser1021= (NM_001135040.3); c.2721C>G, p.Ser907= (NM_001135041.3, NM_023019.4); c.3012C>G, p.Ser1004= (NM_001190836.2); c.3102C>G, p.Ser1034= (NM_001190837.2); c.3072C>G, p.Ser1024= (NM_001378991.1); c.3054C>G, p.Ser1018= (NM_001378992.1).
Identifiers: ClinVar variation 1157459 (VCV001157459.36), dbSNP rs769629500, ClinGen allele CA1721623.